The following is an entry in ClinVar:

NM_012309.5(SHANK2):c.227C>T (p.Pro76Leu)

Gene: SHANK2 (SH3 and multiple ankyrin repeat domains 2; minus strand). Cytogenetic location: 11q13.4.
Variant type: single nucleotide variant.
Coding change: c.227C>T on transcript NM_012309.5 (MANE Select); coding-DNA position 227, C replaced by T.
Protein change: p.Pro76Leu; replaces proline 76 with leucine.
Molecular consequence: missense variant.
Genome position (GRCh38, 1-based): chr11:71,119,013, G>A on the plus strand (C>T on the coding strand, the complement: SHANK2 is on the minus strand). VCF-style: chr11-71119013-G-A. GRCh37 (hg19) VCF-style: chr11-70830059-G-A.
Other names: c.227C>T (NM_012309.3, NM_012309.4); short protein forms P76L.
Identifiers: ClinVar variation 870793 (VCV000870793.46), dbSNP rs199717803, ClinGen allele CA6162157.

ClinVar aggregate classification (germline): Conflicting classifications of pathogenicity. Review status: criteria provided, conflicting classifications (1 of 4 stars). 6 submissions from 6 submitters: Uncertain significance (2); Likely benign (2). 2 of the submissions do not count toward it. Last evaluated 2025-12-01.

Conditions:
Autism, susceptibility to, 17. Also called: Autism susceptibility 17. Identifiers: MedGen C3150693, MONDO:0013265, OMIM 613436.
Inborn genetic diseases. Identifiers: MedGen C0950123, MeSH D030342.

Allele frequency attached by ClinVar (database versions not stated): ExAC 0.00009; 1000 Genomes Project 30x 0.00016; gnomAD exomes 0.00018; TOPMed 0.00020; ESP Exome Variant Server 0.00022; gnomAD 0.00026.
gnomAD v4.1: 373 of 1,551,682 alleles (0.024%); highest among the groups gnomAD compares: Non-Finnish European, 0.03%; 1 homozygote.

Submissions (6):

CeGaT Center for Human Genetics Tuebingen
Classification: Likely benign. Last evaluated: 2025-12-01. Review status: criteria provided, single submitter. Criteria: CeGaT Center For Human Genetics Tuebingen Variant Classification Criteria Version 2. Collection method: clinical testing. Allele origin: germline. Affected: yes. Observed: 4 variant alleles.
Comment: SHANK2: BS2

Pittsburgh Clinical Genomics Laboratory, University of Pittsburgh Medical Center
Classification: Uncertain significance for Autism, susceptibility to, 17. Last evaluated: 2022-04-22. Review status: criteria provided, single submitter. Criteria: ACMG Guidelines, 2015. Collection method: clinical testing. Allele origin: germline. Inheritance: Autosomal dominant inheritance. Affected: yes.
Comment: This sequence variant is a single nucleotide substitution (C>T) that results in a proline to leucine amino acid change at position 76 of the SHANK2 protein. This is a previously reported variant (ClinVar) that has not been observed in the literature in individuals with SHANK2-related disease, to our knowledge. This variant is rare in control population datasets (gnomAD database 34/187676 alleles or 0.018%). Multiple bioinformatic tools predict that this variant would be damaging, and the Pro76 residue is highly conserved across the vertebrate species examined. Functiol studies examining the effect of this variant on protein structure or activity have not been performed, to our knowledge. At this time, there is insufficient evidence to determine if this variant is pathogenic or benign. Therefore, we consider this to be a variant of uncertain significance. ACMG Criteria: BP1, PP3

Ambry Genetics
Classification: Likely benign for Inborn genetic diseases. Last evaluated: 2021-08-17. Review status: criteria provided, single submitter. Criteria: Ambry Variant Classification Scheme 2023. Collection method: clinical testing. Allele origin: germline.

Juno Genomics, Hangzhou Juno Genomics, Inc
Classification: Uncertain significance for Autism, susceptibility to, 17. Review status: criteria provided, single submitter. Criteria: ACMG Guidelines, 2015. Collection method: clinical testing. Allele origin: germline.
Comment: Absent from controls (or at extremely low frequency if recessive) in Genome Aggregation Database.;Missense variant in a gene that has a low rate of benign missense variation.;Multiple lines of computational evidence suggest no impact on gene or gene product.

Clinical Genetics DNA and cytogenetics Diagnostics Lab, Erasmus MC, Erasmus Medical Center
Classification: Uncertain significance. Review status: no assertion criteria provided. Collection method: clinical testing. Allele origin: germline. Affected: yes. Study: VKGL Data-share Consensus. Not counted in ClinVar's aggregate classification.

Laboratory of Diagnostic Genome Analysis, Leiden University Medical Center (LUMC)
Classification: Uncertain significance. Review status: no assertion criteria provided. Collection method: clinical testing. Allele origin: germline. Affected: yes. Study: VKGL Data-share Consensus. Not counted in ClinVar's aggregate classification.